The following is an entry in ClinVar:

ClinVar aggregate classification (germline): Uncertain significance. Review status: criteria provided, multiple submitters, no conflicts (2 of 4 stars). 2 submissions from 2 submitters: Uncertain significance (2). Last evaluated 2024-12-04.

Conditions:
Inborn genetic diseases. Identifiers: MedGen C0950123, MeSH D030342.

Allele frequency attached by ClinVar (database versions not stated): gnomAD 0.00001; ExAC 0.00004; TOPMed 0.00004.
gnomAD v4.1: 23 of 1,613,620 alleles (0.0014%); highest among the groups gnomAD compares: Admixed American, 0.015%; no homozygotes.

Submissions (2):

Ambry Genetics
Classification: Uncertain significance for Inborn genetic diseases. Last evaluated: 2024-12-04. Review status: criteria provided, single submitter. Criteria: Ambry Variant Classification Scheme 2023. Collection method: clinical testing. Allele origin: germline.

Labcorp Genetics (formerly Invitae), Labcorp
Classification: Uncertain significance. Last evaluated: 2023-12-11. Review status: criteria provided, single submitter. Criteria: Invitae Variant Classification Sherloc (09022015). Collection method: clinical testing. Allele origin: germline.
Comment: This sequence change replaces glycine, which is neutral and non-polar, with arginine, which is basic and polar, at codon 70 of the DOCK6 protein (p.Gly70Arg). This variant is present in population databases (rs756004393, gnomAD 0.03%). This variant has not been reported in the literature in individuals affected with DOCK6-related conditions. ClinVar contains an entry for this variant (Variation ID: 2146433). Advanced modeling of protein sequence and biophysical properties (such as structural, functional, and spatial information, amino acid conservation, physicochemical variation, residue mobility, and thermodynamic stability) performed at Invitae indicates that this missense variant is not expected to disrupt DOCK6 protein function with a negative predictive value of 80%. In summary, the available evidence is currently insufficient to determine the role of this variant in disease. Therefore, it has been classified as a Variant of Uncertain Significance.

NM_020812.4(DOCK6):c.208G>A (p.Gly70Arg)

Gene: DOCK6 (dedicator of cytokinesis 6; minus strand). Cytogenetic location: 19p13.2.
Variant type: single nucleotide variant.
Coding change: c.208G>A on transcript NM_020812.4 (MANE Select); coding-DNA position 208, G replaced by A.
Protein change: p.Gly70Arg; replaces glycine 70 with arginine.
Molecular consequence: missense variant.
Genome position (GRCh38, 1-based): chr19:11,252,883, C>T on the plus strand (G>A on the coding strand, the complement: DOCK6 is on the minus strand). VCF-style: chr19-11252883-C-T. GRCh37 (hg19) VCF-style: chr19-11363559-C-T.
Other names: c.208G>A, p.Gly70Arg (NM_001367830.1); c.208G>A (NM_020812.2); short protein forms G70R.
Identifiers: ClinVar variation 2146433 (VCV002146433.4), dbSNP rs756004393, ClinGen allele CA9208592.